The following is an entry in ClinVar:

ClinVar aggregate classification (germline): Uncertain significance (1 of 4 stars; one submission).

Submission:

GeneDx
Classification: Uncertain significance. Last evaluated: 2024-09-20. Review status: criteria provided, single submitter. Criteria: GeneDx Variant Classification Process June 2021. Collection method: clinical testing. Allele origin: germline. Affected: yes.
Comment: Not observed at significant frequency in large population cohorts (gnomAD); In silico analysis supports that this missense variant has a deleterious effect on protein structure/function; Has not been previously published as pathogenic or benign to our knowledge

NM_016312.3(WBP11):c.172G>A (p.Glu58Lys)

Gene: WBP11 (WW domain binding protein 11; minus strand). Cytogenetic location: 12p12.3.
Variant type: single nucleotide variant.
Coding change: c.172G>A on transcript NM_016312.3 (MANE Select); coding-DNA position 172, G replaced by A.
Protein change: p.Glu58Lys; replaces glutamic acid 58 with lysine.
Molecular consequence: missense variant.
Genome position (GRCh38, 1-based): chr12:14,799,653, C>T on the plus strand (G>A on the coding strand, the complement: WBP11 is on the minus strand). VCF-style: chr12-14799653-C-T. GRCh37 (hg19) VCF-style: chr12-14952587-C-T.
Other names: short protein forms E58K.
Identifiers: ClinVar variation 3774244 (VCV003774244.1).